The following is an entry in ClinVar:

NM_000168.6(GLI3):c.4000C>A (p.His1334Asn)

Gene: GLI3 (GLI family zinc finger 3; minus strand). Cytogenetic location: 7p14.1.
Variant type: single nucleotide variant.
Coding change: c.4000C>A on transcript NM_000168.6 (MANE Select); coding-DNA position 4000, C replaced by A.
Protein change: p.His1334Asn; replaces histidine 1334 with asparagine.
Molecular consequence: missense variant.
Genome position (GRCh38, 1-based): chr7:41,965,073, G>T on the plus strand (C>A on the coding strand, the complement: GLI3 is on the minus strand). VCF-style: chr7-41965073-G-T. GRCh37 (hg19) VCF-style: chr7-42004671-G-T.
Other names: short protein forms H1334N.
Identifiers: ClinVar variation 3347463 (VCV003347463.1).

ClinVar aggregate classification (germline): Uncertain significance (0 of 4 stars; one submission).

Conditions:
GLI3-related disorder. Also called: GLI3-related condition; GLI3-related disorders. Identifiers: MedGen CN239292.

gnomAD v4.1: 1 of 1,613,876 alleles (0.000062%); highest among the groups gnomAD compares: South Asian, 0.0011%; no homozygotes.

Submission:

PreventionGenetics, part of Exact Sciences
Classification: Uncertain significance for GLI3-related condition. Last evaluated: 2024-06-02. Review status: no assertion criteria provided. Collection method: clinical testing. Allele origin: germline.
Comment: The GLI3 c.4000C>A variant is predicted to result in the amino acid substitution p.His1334Asn. To our knowledge, this variant has not been reported in the literature or in a large population database, indicating this variant is rare. At this time, the clinical significance of this variant is uncertain due to the absence of conclusive functional and genetic evidence.